The following is an entry in ClinVar:

NM_024426.6(WT1):c.1227G>C (p.Lys409Asn)

Gene: WT1 (WT1 transcription factor; minus strand). Cytogenetic location: 11p13.
Variant type: single nucleotide variant.
Coding change: c.1227G>C on transcript NM_024426.6 (MANE Select); coding-DNA position 1227, G replaced by C.
Protein change: p.Lys409Asn; replaces lysine 409 with asparagine.
Molecular consequence: missense variant. On other transcripts: non-coding transcript variant (2).
Genome position (GRCh38, 1-based): chr11:32,396,294, C>G on the plus strand (G>C on the coding strand, the complement: WT1 is on the minus strand). VCF-style: chr11-32396294-C-G. GRCh37 (hg19) VCF-style: chr11-32417840-C-G.
Other names: c.1176G>C, p.Lys392Asn (NM_000378.6, NM_001407045.1, NM_001407048.1 and 1 more transcripts); c.576G>C, p.Lys192Asn (NM_001198551.2); c.525G>C, p.Lys175Asn (NM_001198552.2); c.39G>C, p.Lys13Asn (NM_001367854.1); c.1221G>C, p.Lys407Asn (NM_001407044.1); c.1227G>C, p.Lys409Asn (NM_001407046.1, NM_024424.5); c.1104G>C, p.Lys368Asn (NM_001407047.1); c.1053G>C, p.Lys351Asn (NM_001407050.1); and 3 more; short protein forms K175N, K319N, K392N, K155N, K368N, K404N, K192N, K336N.
Identifiers: ClinVar variation 5032035 (VCV005032035.1).
Genomic context (GRCh38, chr11:32,396,294, plus strand): 5'-GACTGGACAGCGGGCACACTTACCAGTGTGCTTCCTGCTGTGCATCTGTAAGTGGGACAG[C>G]TTAAAATATCTCTTATTGCAGCCTGGGTAAGCACACATGAAGGGGCGTTTCTCACTGGTC-3'
Protein context (NP_077744.4, residues 399-419): AYPGCNKRYF[Lys409Asn]LSHLQMHSRK

ClinVar aggregate classification (germline): Uncertain significance (1 of 4 stars; one submission).

Conditions:
Inborn genetic diseases. Identifiers: MedGen C0950123, MeSH D030342.

Submission:

Ambry Genetics
Classification: Uncertain significance for Inborn genetic diseases. Last evaluated: 2026-07-07. Review status: criteria provided, single submitter. Criteria: Ambry Variant Classification Scheme 2023. Collection method: clinical testing. Allele origin: germline.
Comment: The p.K404N variant (also known as c.1212G>C), located in coding exon 7 of the WT1 gene, results from a G to C substitution at nucleotide position 1212. The lysine at codon 404 is replaced by asparagine, an amino acid with similar properties. This amino acid position is conserved. In addition, this alteration is predicted to be tolerated by in silico analysis. Based on the available evidence, the clinical significance of this variant remains unclear.